The following is an entry in ClinVar:

ClinVar aggregate classification (germline): Pathogenic. Review status: reviewed by expert panel (3 of 4 stars). 2 submissions from 2 submitters: Pathogenic (1). 1 of the submissions does not count toward it. Last evaluated 2025-01-15.

Conditions:
Hereditary thrombocytopenia and hematological cancer predisposition syndrome associated with RUNX1. Also called: Familial Platelet Disorder with Propensity to Acute Myelogenous Leukemia; Familial thrombocytopenia with propensity to acute myelogenous leukemia; PLATELET DISORDER, ASPIRIN-LIKE; RUNX1 Familial Platelet Disorder with Associated Myeloid Malignancies. Identifiers: Orphanet 71290, MedGen C1832388, MeSH C563324, MONDO:0100083, OMIM 601399.
Hereditary thrombocytopenia and hematologic cancer predisposition syndrome. Identifiers: Orphanet 71290, MedGen CN281654, MONDO:0011071.

Submissions (2):

ClinGen Myeloid Malignancy Variant Curation Expert Panel
Classification: Pathogenic for Hereditary thrombocytopenia and hematologic cancer predisposition syndrome. Last evaluated: 2025-01-15. Review status: reviewed by expert panel. Criteria: ClinGen MyeloMalig ACMG Specifications v2. Collection method: curation. Allele origin: germline. Inheritance: Autosomal dominant inheritance.
Comment: NM_001754.5(RUNX1):c.696dup (p.Arg233AlafsTer28) is a frameshift variant which is predicted to undergo nonsense mediated decay in a gene in which loss-of-function is an established mechanism (frameshift (+) c.98-c.779 as per VCEP specifications) (PVS1). This frameshift variant is downstream of c.98 (PM5_Supporting). This variant is completely absent from all population databases with at least 20x coverage for RUNX1 (PM2_Supporting). In summary, this variant meets criteria to be classified as pathogenic. ACMG/AMP criteria applied, as specified by the Myeloid Malignancy Variant Curation Expert Panel for RUNX1: PVS1, PM2_supporting, PM5_supporting.

Labcorp Genetics (formerly Invitae), Labcorp
Classification: Pathogenic for Hereditary thrombocytopenia and hematological cancer predisposition syndrome associated with RUNX1. Last evaluated: 2023-11-01. Review status: criteria provided, single submitter. Criteria: Invitae Variant Classification Sherloc (09022015). Collection method: clinical testing. Allele origin: germline. Not counted in ClinVar's aggregate classification.
Comment: This sequence change creates a premature translational stop signal (p.Arg233Alafs*28) in the RUNX1 gene. It is expected to result in an absent or disrupted protein product. Loss-of-function variants in RUNX1 are known to be pathogenic (PMID: 18723428, 24100448). This variant is not present in population databases (gnomAD no frequency). This variant has not been reported in the literature in individuals affected with RUNX1-related conditions. For these reasons, this variant has been classified as Pathogenic.

Literature cited by the submitters: PubMed 18723428 (cited by Labcorp Genetics (formerly Invitae), Labcorp); PubMed 24100448 (cited by Labcorp Genetics (formerly Invitae), Labcorp).

NM_001754.5(RUNX1):c.696dup (p.Arg233fs)

Gene: RUNX1 (RUNX family transcription factor 1; minus strand). Cytogenetic location: 21q22.12.
Variant type: Duplication.
Coding change: c.696dup on transcript NM_001754.5 (MANE Select); coding-DNA position 696, one base duplicated (G; older notation c.696dupG).
Protein change: p.Arg233fs; shifts the reading frame from arginine 233.
Molecular consequence: frameshift variant.
Genome position (GRCh38, 1-based): chr21:34,834,519, C duplicated on the plus strand (G on the coding strand, the reverse complement: RUNX1 is on the minus strand); the first of 2 consecutive C bases (chr21:34,834,519-34,834,520); duplicating either gives the same sequence. VCF-style (leftmost placement, unchanged base first): chr21-34834518-G-GC. GRCh37 (hg19) VCF-style: chr21-36206815-G-GC.
Other names: NM_001754.5(RUNX1):c.696dup; p.Arg233fs; c.615dup, p.Arg206fs (NM_001001890.3, NM_001122607.2); short protein forms R233fs, R206fs.
Identifiers: ClinVar variation 2799017 (VCV002799017.4), dbSNP rs2517040421, ClinGen allele CA2739267608.